The following is an entry in ClinVar:

ClinVar aggregate classification (germline): Conflicting classifications of pathogenicity. Review status: criteria provided, conflicting classifications (1 of 4 stars). 3 submissions from 3 submitters: Uncertain significance (2); Benign (1). Last evaluated 2025-12-22.

Conditions:
Primary ciliary dyskinesia. Also called: Ciliary dyskinesia. Identifiers: Orphanet 244, MedGen C0008780, MONDO:0016575, HP:0012265.

Allele frequency attached by ClinVar (database versions not stated): ESP Exome Variant Server 0.00008; 1000 Genomes Project 30x 0.00016; 1000 Genomes Project 0.00020; TOPMed 0.00029.
gnomAD v4.1: 58 of 1,613,354 alleles (0.0036%); highest among the groups gnomAD compares: African/African-American, 0.059%; no homozygotes.

Submissions (3):

Labcorp Genetics (formerly Invitae), Labcorp
Classification: Benign for Primary ciliary dyskinesia. Last evaluated: 2025-12-22. Review status: criteria provided, single submitter. Criteria: Invitae Variant Classification Sherloc (09022015). Collection method: clinical testing. Allele origin: germline.

Ambry Genetics
Classification: Uncertain significance for Primary ciliary dyskinesia. Last evaluated: 2023-05-03. Review status: criteria provided, single submitter. Criteria: Ambry Variant Classification Scheme 2023. Collection method: clinical testing. Allele origin: germline.
Comment: The p.I3744M variant (also known as c.11232C>G), located in coding exon 69 of the DNAH11 gene, results from a C to G substitution at nucleotide position 11232. The isoleucine at codon 3744 is replaced by methionine, an amino acid with highly similar properties. This variant was detected in conjunction with a second DNAH11 missense variant in an individual with hearing loss; however, phase and additional clinical information was not provided (Wonkam A et al. Commun Biol, 2022 Apr;5:369). This amino acid position is not well conserved in available vertebrate species. In addition, this alteration is predicted to be tolerated by in silico analysis. Since supporting evidence is conflicting at this time, the clinical significance of this alteration remains unclear.

GeneDx
Classification: Uncertain significance. Last evaluated: 2019-11-12. Review status: criteria provided, single submitter. Criteria: GeneDx Variant Classification Process June 2021. Collection method: clinical testing. Allele origin: germline. Affected: yes.
Comment: In silico analysis, which includes protein predictors and evolutionary conservation, supports that this variant does not alter protein structure/function; Has not been previously published as pathogenic or benign to our knowledge

Literature cited by the submitters: PubMed 35440622 (cited by Ambry Genetics).

NM_001277115.2(DNAH11):c.11232C>G (p.Ile3744Met)

Gene: DNAH11 (dynein axonemal heavy chain 11; plus strand). Cytogenetic location: 7p15.3.
Variant type: single nucleotide variant.
Coding change: c.11232C>G on transcript NM_001277115.2 (MANE Select); coding-DNA position 11232, C replaced by G.
Protein change: p.Ile3744Met; replaces isoleucine 3744 with methionine.
Molecular consequence: missense variant.
Genome position (GRCh38, 1-based): chr7:21,861,882, C>G. VCF-style: chr7-21861882-C-G. GRCh37 (hg19) VCF-style: chr7-21901500-C-G.
Other names: short protein forms I3744M.
Identifiers: ClinVar variation 410863 (VCV000410863.13), dbSNP rs201120788, ClinGen allele CA4182675.
Genomic context (GRCh38, chr7:21,861,882, plus strand): 5'-CACATTTTAATGGTCACATTAAATTTCCCAGGCTTTTAACGTGCTGTTCCACAGAGCGAT[C>G]GAGCAGGCTGACAAGGTGGAAGACATGCAGGGACGCATCTCTATCCTGATGGAGAGCATC-3'
Protein context (NP_001264044.1, residues 3734-3754): KAFNVLFHRA[Ile3744Met]EQADKVEDMQ